The following is an entry in ClinVar:

NM_001126108.2(SLC12A3):c.509T>A (p.Leu170Gln)

Gene: SLC12A3 (solute carrier family 12 member 3; plus strand). Cytogenetic location: 16q13.
Variant type: single nucleotide variant.
Coding change: c.509T>A on transcript NM_001126108.2 (MANE Select); coding-DNA position 509, T replaced by A.
Protein change: p.Leu170Gln; replaces leucine 170 with glutamine.
Molecular consequence: missense variant.
Genome position (GRCh38, 1-based): chr16:56,869,732, T>A. VCF-style: chr16-56869732-T-A. GRCh37 (hg19) VCF-style: chr16-56903644-T-A.
Other names: c.509T>A, p.Leu170Gln (NM_000339.3); c.506T>A, p.Leu169Gln (NM_001126107.2, NM_001410896.1); short protein forms L169Q, L170Q.
Identifiers: ClinVar variation 2577274 (VCV002577274.2), dbSNP rs1596890176, ClinGen allele CA395980722.
Genomic context (GRCh38, chr16:56,869,732, plus strand): 5'-AAACTGGGGCTCCTCCCTTGGGAAATGCCCTGCCTAAGCTTTGGGTGCCCCCTGCAGTCC[T>A]GACCTGGATCATCATCCTGCTGTCGGTCACGGTGACCTCCATCACAGGCCTCTCCATCTC-3'
Protein context (NP_001119580.2, residues 160-180): PWITAQAGIV[Leu170Gln]TWIIILLSVT

ClinVar aggregate classification (germline): Uncertain significance (1 of 4 stars; one submission).

Submission:

Women's Health and Genetics/Laboratory Corporation of America, LabCorp
Classification: Uncertain significance. Last evaluated: 2023-07-28. Review status: criteria provided, single submitter. Criteria: LabCorp Variant Classification Summary - May 2015. Collection method: clinical testing. Allele origin: germline.
Comment: Variant summary: SLC12A3 c.509T>A (p.Leu170Gln) results in a non-conservative amino acid change located in the Amino acid permease/ SLC12A domain (IPR004841) of the encoded protein sequence. Three of five in-silico tools predict a benign effect of the variant on protein function. The variant was absent in 251332 control chromosomes. The available data on variant occurrences in the general population are insufficient to allow any conclusion about variant significance. c.509T>A has been reported in the literature as a compound heterozygous genotype with other SLC12A3 gene variants in individuals of Chinese ethnicity affected with features of Familial hypokalemia-hypomagnesemia (Gitelman syndrome) (example, Jiang_20015, Zeng_2019, Zhang_2020, Zheng_2021). In some of the reported studies the phase of co-occurring variants is not explicitly specified (Jiang_2015, Zeng_2019, Zhang_2020) while one study reports this variant in cis with c.421G>A (p.Gly141Arg) (maternal allele) and c.170C>T (p.Thr60Met) on the paternal allele, which is considered as a common pathogenic variant in the Asian population (Zheng_2021). An additional individual within these studies is reported as harboring this variant along with other SLC12A3 variants of unknown phase along with a single homozygous variant (c.2129C>A, p.Ser710*) (Zhang_2020). In toto, based on these studies, it can be interpreted that other pathogenic variants (such as c.2129C>A, p.Ser170*) have occurred in the background of this variant in cis with c.421G>A (p.Gly141Arg). These report(s) do not provide unequivocal conclusions about association of the variant in isolation with Familial Hypokalemia-Hypomagnesemia. At-least one co-occurrence with another pathogenic variant in cis have been reported as described above (Zhang_2020, SLC12A3 c.2129C>A, p.Ser710*), providing supporting evidence for a benign role. To our knowledge, no experimental evidence demonstrating an impact on protein function has been reported. The following publications have been ascertained in the context of this evaluation (PMID: 26121437, 28469853, 31398183, 32542819, 33993910). No submitters have cited clinical-significance assessments for this variant to ClinVar after 2014. Based on the evidence outlined above, the variant was classified as uncertain significance.

Literature cited by the submitters: PubMed 32542819; PubMed 26121437; PubMed 28469853; PubMed 31398183; PubMed 33993910.